The following is an entry in ClinVar:

ClinVar aggregate classification (germline): Likely benign. Review status: criteria provided, multiple submitters, no conflicts (2 of 4 stars). 3 submissions from 3 submitters: Likely benign (2). 1 of the submissions does not count toward it. Last evaluated 2026-01-26.

Conditions:
Spermatogenic failure 18. Identifiers: MedGen C4539783, MONDO:0054615, OMIM 617576.
Ciliary dyskinesia, primary, 37 (CILD37). Also called: CILIARY DYSKINESIA, PRIMARY, 37, WITH OR WITHOUT SITUS INVERSUS. Identifiers: MedGen C4539798, MONDO:0033204, OMIM 617577.
DNAH1-related disorder. Also called: DNAH1-related condition.

Allele frequency attached by ClinVar (database versions not stated): gnomAD exomes 0.00016 and 0.00051; ExAC 0.00062; ESP Exome Variant Server 0.00204; gnomAD 0.00216 and 0.00232; TOPMed 0.00254; 1000 Genomes Project 30x 0.00328; 1000 Genomes Project 0.00339.
gnomAD v4.1: 569 of 1,613,960 alleles (0.035%); highest among the groups gnomAD compares: African/African-American, 0.65%; 2 homozygotes.

Submissions (3):

Labcorp Genetics (formerly Invitae), Labcorp
Classification: Likely benign for Ciliary dyskinesia, primary, 37; Spermatogenic failure 18. Last evaluated: 2026-01-26. Review status: criteria provided, single submitter. Criteria: Invitae Variant Classification Sherloc (09022015). Collection method: clinical testing. Allele origin: germline.

Blueprint Genetics
Classification: Likely benign. Last evaluated: 2023-10-27. Review status: criteria provided, single submitter. Criteria: ACMG Guidelines, 2015. Collection method: clinical testing. Allele origin: germline.

PreventionGenetics, part of Exact Sciences
Classification: Likely benign for DNAH1-related condition. Last evaluated: 2020-01-27. Review status: no assertion criteria provided. Collection method: clinical testing. Allele origin: germline. Not counted in ClinVar's aggregate classification.
Comment: This variant is classified as likely benign based on ACMG/AMP sequence variant interpretation guidelines (Richards et al. 2015 PMID: 25741868, with internal and published modifications).

NM_015512.5(DNAH1):c.3350A>G (p.Gln1117Arg)

Gene: DNAH1 (dynein axonemal heavy chain 1; plus strand). Cytogenetic location: 3p21.1.
Variant type: single nucleotide variant.
Coding change: c.3350A>G on transcript NM_015512.5 (MANE Select); coding-DNA position 3350, A replaced by G.
Protein change: p.Gln1117Arg; replaces glutamine 1117 with arginine.
Molecular consequence: missense variant.
Genome position (GRCh38, 1-based): chr3:52,353,503, A>G. VCF-style: chr3-52353503-A-G. GRCh37 (hg19) VCF-style: chr3-52387519-A-G.
Other names: short protein forms Q1117R.
Identifiers: ClinVar variation 707380 (VCV000707380.12), dbSNP rs201527318, ClinGen allele CA2433554.